The following is an entry in ClinVar:

NM_001166114.2(PNPLA6):c.414-236T>A

Gene: PNPLA6 (patatin like domain 6, lysophospholipase; plus strand). Cytogenetic location: 19p13.2.
Variant type: single nucleotide variant.
Coding change: c.414-236T>A on transcript NM_001166114.2 (MANE Select); 236 bases into the intron before coding-DNA position 414, T replaced by A.
Molecular consequence: intron variant.
Genome position (GRCh38, 1-based): chr19:7,539,682, T>A. VCF-style: chr19-7539682-T-A. GRCh37 (hg19) VCF-style: chr19-7604568-T-A.
Other names: c.297-236T>A (NM_006702.5, NM_001166112.2, NM_001166113.1); c.441-236T>A (NM_001166111.2).
Identifiers: ClinVar variation 672579 (VCV000672579.1), dbSNP rs496110, ClinGen allele CA16567415.
Genomic context (GRCh38, chr19:7,539,682, plus strand): 5'-TGGCACATGCCTGTAATCCCAGCTACTAGGGAGGCTGAGGCAGGAGAATCGCTTGAACCC[T>A]GGAGGTGGAGGTTGCAGTGAGCCGAGATCGCACCATTGCACTCCAGCCTGGGAAACAAGA-3'

ClinVar aggregate classification (germline): Benign (1 of 4 stars; one submission).

Allele frequency attached by ClinVar (database versions not stated): TOPMed 0.25007; gnomAD 0.25382 and 0.26193; 1000 Genomes Project 30x 0.29029; 1000 Genomes Project 0.29553.

Submission:

GeneDx
Classification: Benign. Last evaluated: 2018-06-14. Review status: criteria provided, single submitter. Criteria: GeneDx Variant Classification (06012015). Collection method: clinical testing. Allele origin: germline. Affected: yes.
Comment: This variant is considered likely benign or benign based on one or more of the following criteria: it is a conservative change, it occurs at a poorly conserved position in the protein, it is predicted to be benign by multiple in silico algorithms, and/or has population frequency not consistent with disease.